The following is an entry in ClinVar:

NM_004519.4(KCNQ3):c.1506T>A (p.Tyr502Ter)

Gene: KCNQ3 (potassium voltage-gated channel subfamily Q member 3; minus strand). Cytogenetic location: 8q24.22.
Variant type: single nucleotide variant.
Coding change: c.1506T>A on transcript NM_004519.4 (MANE Select); coding-DNA position 1506, T replaced by A.
Protein change: p.Tyr502Ter; replaces tyrosine 502 with a stop codon.
Molecular consequence: nonsense.
Genome position (GRCh38, 1-based): chr8:132,140,138, A>T on the plus strand (T>A on the coding strand, the complement: KCNQ3 is on the minus strand). VCF-style: chr8-132140138-A-T. GRCh37 (hg19) VCF-style: chr8-133152385-A-T.
Other names: c.1146T>A, p.Tyr382Ter (NM_001204824.2); short protein forms Y382*, Y502*.
Identifiers: ClinVar variation 4537910 (VCV004537910.3).

ClinVar aggregate classification (germline): Conflicting classifications of pathogenicity. Review status: criteria provided, conflicting classifications (1 of 4 stars). 2 submissions from 2 submitters: Pathogenic (1); Uncertain significance (1). Last evaluated 2026-07-30.

Conditions:
Benign neonatal seizures. Also called: Benign familial neonatal seizures; Convulsions benign familial neonatal dominant form; Autosomal dominant form of benign neonatal seizures; Benign neonatal familial convulsions; Benign familial neonatal epilepsy. Identifiers: Orphanet 1949, MedGen C0220669, MONDO:0016027.

Submissions (2):

GeneDx
Classification: Uncertain significance. Last evaluated: 2026-07-30. Review status: criteria provided, single submitter. Criteria: GeneDx Variant Classification Process June 2021. Collection method: clinical testing. Allele origin: germline.
Comment: Not observed at significant frequency in large population cohorts (gnomAD); Nonsense variant predicted to result in protein truncation or nonsense mediated decay in a gene or region of a gene for which loss of function is not a well-established mechanism of disease; Has not been previously published as pathogenic or benign to our knowledge

Labcorp Genetics (formerly Invitae), Labcorp
Classification: Pathogenic for Benign neonatal seizures. Last evaluated: 2025-04-17. Review status: criteria provided, single submitter. Criteria: Invitae Variant Classification Sherloc (09022015). Collection method: clinical testing. Allele origin: germline.
Comment: This sequence change creates a premature translational stop signal (p.Tyr502*) in the KCNQ3 gene. It is expected to result in an absent or disrupted protein product. Loss-of-function variants in KCNQ3 are known to be pathogenic (PMID: 29383681, 29852413). This variant is not present in population databases (gnomAD no frequency). This variant has not been reported in the literature in individuals affected with KCNQ3-related conditions. For these reasons, this variant has been classified as Pathogenic.

Literature cited by the submitters: PubMed 29383681 (cited by Labcorp Genetics (formerly Invitae), Labcorp); PubMed 29852413 (cited by Labcorp Genetics (formerly Invitae), Labcorp).